The following is an entry in ClinVar:

NM_182931.3(KMT2E):c.3530A>G (p.Glu1177Gly)

Gene: KMT2E (lysine methyltransferase 2E (inactive); plus strand). Cytogenetic location: 7q22.3.
Variant type: single nucleotide variant.
Coding change: c.3530A>G on transcript NM_182931.3 (MANE Select); coding-DNA position 3530, A replaced by G.
Protein change: p.Glu1177Gly; replaces glutamic acid 1177 with glycine.
Molecular consequence: missense variant.
Genome position (GRCh38, 1-based): chr7:105,109,003, A>G. VCF-style: chr7-105109003-A-G. GRCh37 (hg19) VCF-style: chr7-104749450-A-G.
Other names: c.3530A>G, p.Glu1177Gly (NM_001410908.1, NM_018682.4); short protein forms E1177G.
Identifiers: ClinVar variation 4881264 (VCV004881264.2).

ClinVar aggregate classification (germline): Uncertain significance (1 of 4 stars; one submission).

gnomAD v4.1: 1 of 1,614,154 alleles (0.000062%); highest among the groups gnomAD compares: Admixed American, 0.0017%; no homozygotes.

Submission:

Dasa
Classification: Uncertain significance. Last evaluated: 2024-10-10. Review status: criteria provided, single submitter. Criteria: DASA Assertion Criteria. Collection method: clinical testing. Allele origin: germline.
Comment: NM_182931.3(KMT2E):c.3530A>G (p.Glu1177Gly) is a missense variant that results in the substitution of glutamic acid with glycine. This variant is rare in population databases. Computational prediction algorithms are consistent with a benign effect. The currently available literature and clinical evidence are not sufficient to establish a definitive association between this variant and the reported condition. Therefore, this variant is classified as a variant of uncertain significance.